The following is an entry in ClinVar:

NM_014225.6(PPP2R1A):c.1259G>A (p.Arg420Gln)

Gene: PPP2R1A (protein phosphatase 2 scaffold subunit Aalpha; plus strand). Cytogenetic location: 19q13.41.
Variant type: single nucleotide variant.
Coding change: c.1259G>A on transcript NM_014225.6 (MANE Select); coding-DNA position 1259, G replaced by A.
Protein change: p.Arg420Gln; replaces arginine 420 with glutamine.
Molecular consequence: missense variant. On other transcripts: non-coding transcript variant (1).
Genome position (GRCh38, 1-based): chr19:52,219,821, G>A. VCF-style: chr19-52219821-G-A. GRCh37 (hg19) VCF-style: chr19-52723074-G-A.
Other names: c.722G>A, p.Arg241Gln (NM_001363656.2); short protein forms R420Q, R241Q.
Identifiers: ClinVar variation 2881159 (VCV002881159.3), dbSNP rs2122360738, ClinGen allele CA407189527.

ClinVar aggregate classification (germline): Uncertain significance (1 of 4 stars; one submission).

Allele frequency attached by ClinVar (database versions not stated): gnomAD exomes below 0.00001.
gnomAD v4.1: 1 of 1,612,772 alleles (0.000062%); highest among the groups gnomAD compares: Non-Finnish European, 0.000085%; no homozygotes.

Submission:

Labcorp Genetics (formerly Invitae), Labcorp
Classification: Uncertain significance. Last evaluated: 2023-03-21. Review status: criteria provided, single submitter. Criteria: Invitae Variant Classification Sherloc (09022015). Collection method: clinical testing. Allele origin: germline.
Comment: This sequence change replaces arginine, which is basic and polar, with glutamine, which is neutral and polar, at codon 420 of the PPP2R1A protein (p.Arg420Gln). This variant is not present in population databases (gnomAD no frequency). This variant has not been reported in the literature in individuals affected with PPP2R1A-related conditions. Advanced modeling of protein sequence and biophysical properties (such as structural, functional, and spatial information, amino acid conservation, physicochemical variation, residue mobility, and thermodynamic stability) performed at Invitae indicates that this missense variant is expected to disrupt PPP2R1A protein function. In summary, the available evidence is currently insufficient to determine the role of this variant in disease. Therefore, it has been classified as a Variant of Uncertain Significance.